The following is an entry in ClinVar:

NM_006231.4(POLE):c.6028T>G (p.Cys2010Gly)

Gene: POLE (DNA polymerase epsilon, catalytic subunit; minus strand). Cytogenetic location: 12q24.33.
Variant type: single nucleotide variant.
Coding change: c.6028T>G on transcript NM_006231.4 (MANE Select); coding-DNA position 6028, T replaced by G.
Protein change: p.Cys2010Gly; replaces cysteine 2010 with glycine.
Molecular consequence: missense variant.
Genome position (GRCh38, 1-based): chr12:132,632,772, A>C on the plus strand (T>G on the coding strand, the complement: POLE is on the minus strand). VCF-style: chr12-132632772-A-C. GRCh37 (hg19) VCF-style: chr12-133209358-A-C.
Other names: short protein forms C2010G.
Identifiers: ClinVar variation 2772166 (VCV002772166.3), dbSNP rs1593709200, ClinGen allele CA387370848.
Genomic context (GRCh38, chr12:132,632,772, plus strand): 5'-CCCCCCTCCTCCTCACGGGGGTGCTCCCTGGAGCACTGCGCCTCAGCCCGTCCTTCATGC[A>C]GTGGTACACGGCCACGATGTACGCTGTGGAGAGGCACACACACCACAGGCCCTGAGTCGG-3'
Protein context (NP_006222.2, residues 2000-2020): VSAYIVAVYH[Cys2010Gly]MKDGLRRSAP

ClinVar aggregate classification (germline): Uncertain significance (1 of 4 stars; one submission).

Submission:

Labcorp Genetics (formerly Invitae), Labcorp
Classification: Uncertain significance. Last evaluated: 2024-08-01. Review status: criteria provided, single submitter. Criteria: Invitae Variant Classification Sherloc (09022015). Collection method: clinical testing. Allele origin: germline.
Comment: This sequence change replaces cysteine, which is neutral and slightly polar, with glycine, which is neutral and non-polar, at codon 2010 of the POLE protein (p.Cys2010Gly). This variant is not present in population databases (gnomAD no frequency). This variant has not been reported in the literature in individuals affected with POLE-related conditions. Advanced modeling of protein sequence and biophysical properties (such as structural, functional, and spatial information, amino acid conservation, physicochemical variation, residue mobility, and thermodynamic stability) performed at Invitae indicates that this missense variant is not expected to disrupt POLE protein function with a negative predictive value of 80%. In summary, the available evidence is currently insufficient to determine the role of this variant in disease. Therefore, it has been classified as a Variant of Uncertain Significance.